The following is an entry in ClinVar:

NM_000540.3(RYR1):c.4327G>A (p.Glu1443Lys)

Gene: RYR1 (ryanodine receptor 1; plus strand). Cytogenetic location: 19q13.2.
Variant type: single nucleotide variant.
Coding change: c.4327G>A on transcript NM_000540.3 (MANE Select); coding-DNA position 4327, G replaced by A.
Protein change: p.Glu1443Lys; replaces glutamic acid 1443 with lysine.
Molecular consequence: missense variant.
Genome position (GRCh38, 1-based): chr19:38,477,743, G>A. VCF-style: chr19-38477743-G-A. GRCh37 (hg19) VCF-style: chr19-38968383-G-A.
Other names: c.4327G>A, p.Glu1443Lys (NM_001042723.2); short protein forms E1443K.
Identifiers: ClinVar variation 842701 (VCV000842701.6), dbSNP rs747311834, ClinGen allele CA065938.

ClinVar aggregate classification (germline): Uncertain significance. Review status: criteria provided, multiple submitters, no conflicts (2 of 4 stars). 2 submissions from 2 submitters: Uncertain significance (2). Last evaluated 2023-03-04.

Conditions:
RYR1-related disorder. Also called: RYR1-related disorders; RYR1-related condition. Identifiers: MedGen CN239331.
Malignant hyperthermia, susceptibility to, 1 (MHS1). Also called: Anesthesia related hyperthermia; Malignant hyperpyrexia; Fulminating hyperpyrexia; Pharmacogenic myopathy; Malignant hyperthermia suceptibility 1; RYR1-Related Malignant Hyperthermia Susceptibility. Identifiers: Orphanet 423, MedGen C2930980, MONDO:0007783, OMIM 145600.

Allele frequency attached by ClinVar (database versions not stated): gnomAD 0.00001; gnomAD exomes 0.00001; ExAC 0.00002.
gnomAD v4.1: 10 of 1,614,142 alleles (0.00062%); highest among the groups gnomAD compares: South Asian, 0.011%; no homozygotes.

Submissions (2):

All of Us Research Program, National Institutes of Health
Classification: Uncertain significance for Malignant hyperthermia, susceptibility to, 1. Last evaluated: 2023-03-04. Review status: criteria provided, single submitter. Criteria: ACMG Guidelines, 2015. Collection method: clinical testing. Allele origin: germline. Inheritance: Autosomal dominant inheritance. Observed: 1 variant allele, 1 heterozygote.
Comment: This study involves interpretation of variants in research participants for the purpose of population health screening. Participant phenotype was not available at the time of variant classification. Additional details can be found in publication PMID: 35346344, PMCID: PMC8962531

Labcorp Genetics (formerly Invitae), Labcorp
Classification: Uncertain significance for RYR1-related disorder. Last evaluated: 2022-08-30. Review status: criteria provided, single submitter. Criteria: Invitae Variant Classification Sherloc (09022015). Collection method: clinical testing. Allele origin: germline.
Comment: ClinVar contains an entry for this variant (Variation ID: 842701). In summary, the available evidence is currently insufficient to determine the role of this variant in disease. Therefore, it has been classified as a Variant of Uncertain Significance. Advanced modeling of protein sequence and biophysical properties (such as structural, functional, and spatial information, amino acid conservation, physicochemical variation, residue mobility, and thermodynamic stability) performed at Invitae indicates that this missense variant is expected to disrupt RYR1 protein function. This variant has not been reported in the literature in individuals affected with RYR1-related conditions. This variant is present in population databases (rs747311834, gnomAD 0.01%). This sequence change replaces glutamic acid, which is acidic and polar, with lysine, which is basic and polar, at codon 1443 of the RYR1 protein (p.Glu1443Lys).